The following is an entry in ClinVar:

ClinVar aggregate classification (germline): Likely benign. Review status: criteria provided, multiple submitters, no conflicts (2 of 4 stars). 3 submissions from 3 submitters: Likely benign (3). Last evaluated 2026-01-19.

Conditions:
Dilated cardiomyopathy 1DD (CMD1DD). Identifiers: Orphanet 154, MedGen C2750995, MONDO:0013168, OMIM 613172.
Cardiovascular phenotype. Identifiers: MedGen CN230736.

Allele frequency attached by ClinVar (database versions not stated): gnomAD exomes 0.00001; TOPMed 0.00004; ExAC 0.00005; gnomAD 0.00005; 1000 Genomes Project 30x 0.00016; 1000 Genomes Project 0.00020.
gnomAD v4.1: 27 of 1,551,710 alleles (0.0017%); highest among the groups gnomAD compares: East Asian, 0.027%; no homozygotes.

Submissions (3):

Labcorp Genetics (formerly Invitae), Labcorp
Classification: Likely benign for Dilated cardiomyopathy 1DD. Last evaluated: 2026-01-19. Review status: criteria provided, single submitter. Criteria: Invitae Variant Classification Sherloc (09022015). Collection method: clinical testing. Allele origin: germline.

Molecular Diagnostic Laboratory for Inherited Cardiovascular Disease, Montreal Heart Institute
Classification: Likely benign. Last evaluated: 2025-07-24. Review status: criteria provided, single submitter. Criteria: ACMG Guidelines, 2015. Collection method: clinical testing. Allele origin: germline. Affected: no.
Comment: BP7

Ambry Genetics
Classification: Likely benign for Cardiovascular phenotype. Last evaluated: 2021-08-31. Review status: criteria provided, single submitter. Criteria: Ambry Variant Classification Scheme 2023. Collection method: clinical testing. Allele origin: germline.

NM_001134363.3(RBM20):c.540C>T (p.Pro180=)

Gene: RBM20 (RNA binding motif protein 20; plus strand). Cytogenetic location: 10q25.2.
Variant type: single nucleotide variant.
Coding change: c.540C>T on transcript NM_001134363.3 (MANE Select); coding-DNA position 540, C replaced by T.
Protein change: p.Pro180=; no amino-acid change (proline 180 retained).
Molecular consequence: synonymous variant.
Genome position (GRCh38, 1-based): chr10:110,781,149, C>T. VCF-style: chr10-110781149-C-T. GRCh37 (hg19) VCF-style: chr10-112540907-C-T.
Identifiers: ClinVar variation 779806 (VCV000779806.12), dbSNP rs576099332, ClinGen allele CA5688517.